The following is an entry in ClinVar:

NM_001184.4(ATR):c.7350-1G>C

Gene: ATR (ATR checkpoint kinase; minus strand). Cytogenetic location: 3q23.
Variant type: single nucleotide variant.
Coding change: c.7350-1G>C on transcript NM_001184.4 (MANE Select); the canonical splice acceptor site of the intron before coding-DNA position 7350, G replaced by C.
Molecular consequence: splice acceptor variant.
Genome position (GRCh38, 1-based): chr3:142,459,112, C>G on the plus strand (G>C on the coding strand, the complement: ATR is on the minus strand). VCF-style: chr3-142459112-C-G. GRCh37 (hg19) VCF-style: chr3-142177954-C-G.
Other names: c.7158-1G>C (NM_001354579.2).
Identifiers: ClinVar variation 4797207 (VCV004797207.1).

ClinVar aggregate classification (germline): Likely pathogenic (1 of 4 stars; one submission).

gnomAD v4.1: 3 of 1,613,840 alleles (0.00019%); highest among the groups gnomAD compares: Non-Finnish European, 0.00025%; no homozygotes.

Submission:

Labcorp Genetics (formerly Invitae), Labcorp
Classification: Likely pathogenic. Last evaluated: 2025-03-10. Review status: criteria provided, single submitter. Criteria: Invitae Variant Classification Sherloc (09022015). Collection method: clinical testing. Allele origin: germline.
Comment: This sequence change affects an acceptor splice site in intron 43 of the ATR gene. It is expected to disrupt RNA splicing. Variants that disrupt the donor or acceptor splice site typically lead to a loss of protein function (PMID: 16199547), and loss-of-function variants in ATR are known to be pathogenic (PMID: 21228398, 23144622). This variant is not present in population databases (gnomAD no frequency). This variant has not been reported in the literature in individuals affected with ATR-related conditions. Algorithms developed to predict the effect of sequence changes on RNA splicing suggest that this variant may disrupt the consensus splice site. In summary, the currently available evidence indicates that the variant is pathogenic, but additional data are needed to prove that conclusively. Therefore, this variant has been classified as Likely Pathogenic.

Literature cited by the submitters: PubMed 16199547; PubMed 21228398; PubMed 23144622.